The following is an entry in ClinVar:

NM_002734.5(PRKAR1A):c.1073T>G (p.Val358Gly)

Gene: PRKAR1A (protein kinase cAMP-dependent type I regulatory subunit alpha; plus strand). Cytogenetic location: 17q24.2.
Variant type: single nucleotide variant.
Coding change: c.1073T>G on transcript NM_002734.5 (MANE Select); coding-DNA position 1073, T replaced by G.
Protein change: p.Val358Gly; replaces valine 358 with glycine.
Molecular consequence: missense variant. On other transcripts: intron variant (1).
Genome position (GRCh38, 1-based): chr17:68,530,376, T>G. VCF-style: chr17-68530376-T-G. GRCh37 (hg19) VCF-style: chr17-66526517-T-G.
Other names: c.1073T>G, p.Val358Gly (NM_001369390.1, NM_212471.3, NM_212472.2 and 3 more transcripts); c.973+375T>G (NM_001276290.1); short protein forms V358G.
Identifiers: ClinVar variation 5027318 (VCV005027318.1).

ClinVar aggregate classification (germline): Uncertain significance (1 of 4 stars; one submission).

Conditions:
Hereditary cancer-predisposing syndrome. Also called: Neoplastic Syndromes, Hereditary; Tumor predisposition; Hereditary neoplastic syndrome; Hereditary Cancer Syndrome. Identifiers: Orphanet 140162, MedGen C0027672, MeSH D009386, MONDO:0015356.

Submission:

Ambry Genetics
Classification: Uncertain significance for Hereditary cancer-predisposing syndrome. Last evaluated: 2026-07-06. Review status: criteria provided, single submitter. Criteria: Ambry Variant Classification Scheme 2023. Collection method: clinical testing. Allele origin: germline.
Comment: The p.V358G variant (also known as c.1073T>G), located in coding exon 10 of the PRKAR1A gene, results from a T to G substitution at nucleotide position 1073. The valine at codon 358 is replaced by glycine, an amino acid with dissimilar properties. This amino acid position is conserved. In addition, this alteration is predicted to be deleterious by in silico analysis. Based on the available evidence, the clinical significance of this variant remains unclear.